The following is an entry in ClinVar:

NM_007254.4(PNKP):c.1387-26T>G

Gene: PNKP (polynucleotide kinase 3'-phosphatase; minus strand). Cytogenetic location: 19q13.33.
Variant type: single nucleotide variant.
Coding change: c.1387-26T>G on transcript NM_007254.4 (MANE Select); 26 bases into the intron before coding-DNA position 1387, T replaced by G.
Molecular consequence: intron variant.
Genome position (GRCh38, 1-based): chr19:49,861,536, A>C on the plus strand (T>G on the coding strand, the complement: PNKP is on the minus strand). VCF-style: chr19-49861536-A-C. GRCh37 (hg19) VCF-style: chr19-50364793-A-C.
Identifiers: ClinVar variation 3047837 (VCV003047837.3), dbSNP rs369605341, ClinGen allele CA9586404.

ClinVar aggregate classification (germline): Likely benign. Review status: criteria provided, single submitter (1 of 4 stars). 2 submissions from 2 submitters: Likely benign (1). 1 of the submissions does not count toward it. Last evaluated 2022-10-14.

Conditions:
PNKP-related disorder. Also called: PNKP-related disorders; PNKP-related condition.

Allele frequency attached by ClinVar (database versions not stated): gnomAD exomes 0.00005; ExAC 0.00021; 1000 Genomes Project 30x 0.00031; TOPMed 0.00053; ESP Exome Variant Server 0.00054; gnomAD 0.00077.
gnomAD v4.1: 152 of 1,285,814 alleles (0.012%); highest among the groups gnomAD compares: African/African-American, 0.26%; 1 homozygote.

Submissions (2):

Blueprint Genetics
Classification: Likely benign. Last evaluated: 2022-10-14. Review status: criteria provided, single submitter. Criteria: ACMG Guidelines, 2015. Collection method: clinical testing. Allele origin: germline.

PreventionGenetics, part of Exact Sciences
Classification: Likely benign for PNKP-related condition. Last evaluated: 2021-06-07. Review status: no assertion criteria provided. Collection method: clinical testing. Allele origin: germline. Not counted in ClinVar's aggregate classification.
Comment: This variant is classified as likely benign based on ACMG/AMP sequence variant interpretation guidelines (Richards et al. 2015 PMID: 25741868, with internal and published modifications).